The following is an entry in ClinVar:

ClinVar aggregate classification (germline): Likely benign. Review status: criteria provided, multiple submitters, no conflicts (2 of 4 stars). 3 submissions from 3 submitters: Likely benign (2). 1 of the submissions does not count toward it. Last evaluated 2026-01-27.

Conditions:
APOA4-related disorder. Also called: APOA4-related condition.

Allele frequency attached by ClinVar (database versions not stated): 1000 Genomes Project 0.00120; 1000 Genomes Project 30x 0.00141; TOPMed 0.00193; gnomAD 0.00208 and 0.00209; ESP Exome Variant Server 0.00224.

Submissions (3):

Labcorp Genetics (formerly Invitae), Labcorp
Classification: Likely benign. Last evaluated: 2026-01-27. Review status: criteria provided, single submitter. Criteria: Invitae Variant Classification Sherloc (09022015). Collection method: clinical testing. Allele origin: germline.

CeGaT Center for Human Genetics Tuebingen
Classification: Likely benign. Last evaluated: 2025-10-01. Review status: criteria provided, single submitter. Criteria: CeGaT Center For Human Genetics Tuebingen Variant Classification Criteria Version 2. Collection method: clinical testing. Allele origin: germline. Affected: yes. Observed: 2 variant alleles.
Comment: APOA4: BP4, BS2

PreventionGenetics, part of Exact Sciences
Classification: Likely benign for APOA4-related condition. Last evaluated: 2023-05-19. Review status: no assertion criteria provided. Collection method: clinical testing. Allele origin: germline. Not counted in ClinVar's aggregate classification.
Comment: This variant is classified as likely benign based on ACMG/AMP sequence variant interpretation guidelines (Richards et al. 2015 PMID: 25741868, with internal and published modifications).

NM_000482.4(APOA4):c.381C>A (p.Asn127Lys)

Gene: APOA4 (apolipoprotein A4; minus strand). Cytogenetic location: 11q23.3.
Variant type: single nucleotide variant.
Coding change: c.381C>A on transcript NM_000482.4 (MANE Select); coding-DNA position 381, C replaced by A.
Protein change: p.Asn127Lys; replaces asparagine 127 with lysine.
Molecular consequence: missense variant.
Genome position (GRCh38, 1-based): chr11:116,821,677, G>T on the plus strand (C>A on the coding strand, the complement: APOA4 is on the minus strand). VCF-style: chr11-116821677-G-T. GRCh37 (hg19) VCF-style: chr11-116692393-G-T.
Other names: c.381C>A (NM_000482.3); short protein forms N127K.
Identifiers: ClinVar variation 1570135 (VCV001570135.33), dbSNP rs147610191, ClinGen allele CA6289448.